The following is an entry in ClinVar:

NM_001252024.2(TRPM1):c.3461G>C (p.Arg1154Thr)

Genes: TRPM1 (transient receptor potential cation channel subfamily M member 1; minus strand), TRPM1-AS1 (TRPM1 antisense RNA 1; plus strand), LOC126862088 (BRD4-independent group 4 enhancer GRCh37_chr15:31318084-31319283; plus strand). Cytogenetic location: 15q13.3.
Variant type: single nucleotide variant.
Coding change: c.3461G>C on transcript NM_001252024.2 (MANE Select); coding-DNA position 3461, G replaced by C.
Protein change: p.Arg1154Thr; replaces arginine 1154 with threonine.
Molecular consequence: missense variant.
Genome position (GRCh38, 1-based): chr15:31,026,950, C>G on the plus strand (G>C on the coding strand, the complement: TRPM1 is on the minus strand). VCF-style: chr15-31026950-C-G. GRCh37 (hg19) VCF-style: chr15-31319153-C-G.
Other names: c.3512G>C, p.Arg1171Thr (NM_001252020.2); c.3395G>C, p.Arg1132Thr (NM_002420.6); short protein forms R1154T, R1132T, R1171T.
Identifiers: ClinVar variation 1371716 (VCV001371716.6), dbSNP rs1234969484, ClinGen allele CA391541237.

ClinVar aggregate classification (germline): Uncertain significance (1 of 4 stars; one submission).

Allele frequency attached by ClinVar (database versions not stated): gnomAD exomes below 0.00001.
gnomAD v4.1: 1 of 1,614,160 alleles (0.000062%); highest among the groups gnomAD compares: Admixed American, 0.0017%; no homozygotes.

Submission:

Labcorp Genetics (formerly Invitae), Labcorp
Classification: Uncertain significance. Last evaluated: 2023-07-21. Review status: criteria provided, single submitter. Criteria: Invitae Variant Classification Sherloc (09022015). Collection method: clinical testing. Allele origin: germline.
Comment: This sequence change replaces arginine, which is basic and polar, with threonine, which is neutral and polar, at codon 1132 of the TRPM1 protein (p.Arg1132Thr). This variant is present in population databases (no rsID available, gnomAD 0.003%). This variant has not been reported in the literature in individuals affected with TRPM1-related conditions. ClinVar contains an entry for this variant (Variation ID: 1371716). Advanced modeling of protein sequence and biophysical properties (such as structural, functional, and spatial information, amino acid conservation, physicochemical variation, residue mobility, and thermodynamic stability) has been performed at Invitae for this missense variant, however the output from this modeling did not meet the statistical confidence thresholds required to predict the impact of this variant on TRPM1 protein function. In summary, the available evidence is currently insufficient to determine the role of this variant in disease. Therefore, it has been classified as a Variant of Uncertain Significance.